The following is an entry in ClinVar:

ClinVar aggregate classification (germline): Likely benign (1 of 4 stars; one submission).

Conditions:
Pheochromocytoma/paraganglioma syndrome 1. Also called: PARAGANGLIOMAS, FAMILIAL NONCHROMAFFIN, 1; PGL 1; Paragangliomas familial 1; PARAGANGLIOMATA; Paragangliomas 1; Glomus tumors familial 1. Identifiers: Orphanet 29072, MedGen C3494181, MONDO:0008192, OMIM 168000.

Submission:

Myriad Genetics, Inc.
Classification: Likely benign for Pheochromocytoma/paraganglioma syndrome 1. Last evaluated: 2025-03-17. Review status: criteria provided, single submitter. Criteria: Myriad Autosomal Dominant, Autosomal Recessive and X-Linked Classification Criteria (2023). Collection method: clinical testing. Allele origin: unknown.
Comment: This variant is considered likely benign. This variant is intronic and is not expected to impact mRNA splicing.

NM_003002.4(SDHD):c.53-4T>C

Gene: SDHD (succinate dehydrogenase complex subunit D; plus strand). Cytogenetic location: 11q23.1.
Variant type: single nucleotide variant.
Coding change: c.53-4T>C on transcript NM_003002.4 (MANE Select); 4 bases into the intron before coding-DNA position 53, T replaced by C.
Molecular consequence: intron variant.
Genome position (GRCh38, 1-based): chr11:112,087,853, T>C. VCF-style: chr11-112087853-T-C. GRCh37 (hg19) VCF-style: chr11-111958577-T-C.
Other names: c.53-4T>C (NM_001276506.2, NM_001276503.2); c.52+894T>C (NM_001276504.2).
Identifiers: ClinVar variation 3904357 (VCV003904357.1).